The following is an entry in ClinVar:

NM_015450.3(POT1):c.901C>A (p.Gln301Lys)

Gene: POT1 (protection of telomeres 1; minus strand). Cytogenetic location: 7q31.33.
Variant type: single nucleotide variant.
Coding change: c.901C>A on transcript NM_015450.3 (MANE Select); coding-DNA position 901, C replaced by A.
Protein change: p.Gln301Lys; replaces glutamine 301 with lysine.
Molecular consequence: missense variant. On other transcripts: non-coding transcript variant (3).
Genome position (GRCh38, 1-based): chr7:124,851,920, G>T on the plus strand (C>A on the coding strand, the complement: POT1 is on the minus strand). VCF-style: chr7-124851920-G-T. GRCh37 (hg19) VCF-style: chr7-124491974-G-T.
Other names: c.901C>A (NM_015450.2); c.508C>A, p.Gln170Lys (NM_001042594.2); short protein forms Q170K, Q301K.
Identifiers: ClinVar variation 1008796 (VCV001008796.10), dbSNP rs763135130, ClinGen allele CA4465313.

ClinVar aggregate classification (germline): Uncertain significance. Review status: criteria provided, multiple submitters, no conflicts (2 of 4 stars). 3 submissions from 3 submitters: Uncertain significance (3). Last evaluated 2025-03-15.

Conditions:
Hereditary cancer-predisposing syndrome. Also called: Neoplastic Syndromes, Hereditary; Hereditary Cancer Syndrome; Hereditary neoplastic syndrome; Tumor predisposition. Identifiers: Orphanet 140162, MedGen C0027672, MeSH D009386, MONDO:0015356.
Tumor predisposition syndrome 3 (TPDS3). Also called: Glioma susceptibility 9; LONG TELOMERE SYNDROME, POT1-RELATED; POT1 Tumor Predisposition; Melanoma, cutaneous malignant, susceptibility to, 10. Identifiers: Orphanet 618, MedGen C4014476, MONDO:0014368, OMIM 615848.

Allele frequency attached by ClinVar (database versions not stated): gnomAD exomes below 0.00001; ExAC 0.00001.
gnomAD v4.1: 5 of 1,611,410 alleles (0.00031%); highest among the groups gnomAD compares: Non-Finnish European, 0.00042%; no homozygotes.

Submissions (3):

Ambry Genetics
Classification: Uncertain significance for Hereditary cancer-predisposing syndrome. Last evaluated: 2025-03-15. Review status: criteria provided, single submitter. Criteria: Ambry Variant Classification Scheme 2023. Collection method: clinical testing. Allele origin: germline.
Comment: The p.Q301K variant (also known as c.901C>A), located in coding exon 7 of the POT1 gene, results from a C to A substitution at nucleotide position 901. The glutamine at codon 301 is replaced by lysine, an amino acid with similar properties. This amino acid position is conserved. In addition, this alteration is predicted to be tolerated by in silico analysis. Based on the available evidence, the clinical significance of this variant remains unclear.

GeneDx
Classification: Uncertain significance. Last evaluated: 2022-09-15. Review status: criteria provided, single submitter. Criteria: GeneDx Variant Classification Process June 2021. Collection method: clinical testing. Allele origin: germline. Affected: yes.
Comment: Not observed at significant frequency in large population cohorts (gnomAD); In silico analysis supports that this missense variant does not alter protein structure/function; Has not been previously published as pathogenic or benign to our knowledge

Labcorp Genetics (formerly Invitae), Labcorp
Classification: Uncertain significance for Tumor predisposition syndrome 3. Last evaluated: 2022-02-19. Review status: criteria provided, single submitter. Criteria: Invitae Variant Classification Sherloc (09022015). Collection method: clinical testing. Allele origin: germline.
Comment: Algorithms developed to predict the effect of missense changes on protein structure and function (SIFT, PolyPhen-2, Align-GVGD) all suggest that this variant is likely to be tolerated. This sequence change replaces glutamine, which is neutral and polar, with lysine, which is basic and polar, at codon 301 of the POT1 protein (p.Gln301Lys). This variant is present in population databases (rs763135130, gnomAD 0.0009%). This variant has not been reported in the literature in individuals affected with POT1-related conditions. ClinVar contains an entry for this variant (Variation ID: 1008796). In summary, the available evidence is currently insufficient to determine the role of this variant in disease. Therefore, it has been classified as a Variant of Uncertain Significance.